The following is an entry in ClinVar:

NM_000053.4(ATP7B):c.1983C>T (p.Gly661=)

Gene: ATP7B (ATPase copper transporting beta; minus strand). Cytogenetic location: 13q14.3.
Variant type: single nucleotide variant.
Coding change: c.1983C>T on transcript NM_000053.4 (MANE Select); coding-DNA position 1983, C replaced by T.
Protein change: p.Gly661=; no amino-acid change (glycine 661 retained).
Molecular consequence: synonymous variant. On other transcripts: intron variant (13).
Genome position (GRCh38, 1-based): chr13:51,960,286, G>A on the plus strand (C>T on the coding strand, the complement: ATP7B is on the minus strand). VCF-style: chr13-51960286-G-A. GRCh37 (hg19) VCF-style: chr13-52534422-G-A.
Other names: c.1650C>T, p.Gly550= (NM_001243182.2); c.1983C>T, p.Gly661= (NM_001330578.2, NM_001406511.1, NM_001406512.1 and 16 more transcripts); c.1950C>T, p.Gly650= (NM_001406514.1, NM_001406524.1); c.1887C>T, p.Gly629= (NM_001406517.1, NM_001406518.1, NM_001406530.1 and 1 more transcripts); c.1554C>T, p.Gly518= (NM_001406539.1); c.1870-2679C>T (NM_001406541.1, NM_001005918.3, NM_001406546.1 and 1 more transcripts); c.1870-1742C>T (NM_001406531.1, NM_001406532.1, NM_001406540.1 and 1 more transcripts); c.1774-1742C>T (NM_001406543.1); and 3 more.
Identifiers: ClinVar variation 3073376 (VCV003073376.1), dbSNP rs1651011598, ClinGen allele CA483896378.

ClinVar aggregate classification (germline): Likely benign (1 of 4 stars; one submission).

Conditions:
Wilson disease (WND). Also called: Wilson's disease. Identifiers: Orphanet 905, MedGen C0019202, MONDO:0010200, OMIM 277900. Disease mechanism: loss of function.

Allele frequency attached by ClinVar (database versions not stated): gnomAD exomes below 0.00001; TOPMed below 0.00001.
gnomAD v4.1: 1 of 1,613,856 alleles (0.000062%); highest among the groups gnomAD compares: Non-Finnish European, 0.000085%; no homozygotes.

Submission:

All of Us Research Program, National Institutes of Health
Classification: Likely benign for Wilson disease. Last evaluated: 2023-09-17. Review status: criteria provided, single submitter. Criteria: ACMG Guidelines, 2015. Collection method: clinical testing. Allele origin: germline. Inheritance: Autosomal recessive inheritance. Observed: 1 variant allele, 1 heterozygote.
Comment: This study involves interpretation of variants in research participants for the purpose of population health screening. Participant phenotype was not available at the time of variant classification. Additional details can be found in publication PMID: 35346344, PMCID: PMC8962531